The following is an entry in ClinVar:

ClinVar aggregate classification (germline): Uncertain significance (1 of 4 stars; one submission).

gnomAD v4.1: 7 of 1,577,802 alleles (0.00044%); highest among the groups gnomAD compares: Non-Finnish European, 0.00043%; no homozygotes.

Submission:

Labcorp Genetics (formerly Invitae), Labcorp
Classification: Uncertain significance. Last evaluated: 2025-08-11. Review status: criteria provided, single submitter. Criteria: Invitae Variant Classification Sherloc (09022015). Collection method: clinical testing. Allele origin: germline.
Comment: This sequence change replaces glycine, which is neutral and non-polar, with valine, which is neutral and non-polar, at codon 164 of the CEP78 protein (p.Gly164Val). The frequency data for this variant in the population databases is considered unreliable, as metrics indicate poor data quality at this position in the gnomAD database. This variant has not been reported in the literature in individuals affected with CEP78-related conditions. ClinVar contains an entry for this variant (Variation ID: 1501861). Invitae Evidence Modeling of protein sequence and biophysical properties (such as structural, functional, and spatial information, amino acid conservation, physicochemical variation, residue mobility, and thermodynamic stability) indicates that this missense variant is expected to disrupt CEP78 protein function with a positive predictive value of 80%. In summary, the available evidence is currently insufficient to determine the role of this variant in disease. Therefore, it has been classified as a Variant of Uncertain Significance.

NM_001330691.3(CEP78):c.491G>T (p.Gly164Val)

Gene: CEP78 (centrosomal protein 78; plus strand). Cytogenetic location: 9q21.2.
Variant type: single nucleotide variant.
Coding change: c.491G>T on transcript NM_001330691.3 (MANE Select); coding-DNA position 491, G replaced by T.
Protein change: p.Gly164Val; replaces glycine 164 with valine.
Molecular consequence: missense variant.
Genome position (GRCh38, 1-based): chr9:78,240,356, G>T. VCF-style: chr9-78240356-G-T. GRCh37 (hg19) VCF-style: chr9-80855272-G-T.
Other names: c.491G>T, p.Gly164Val (NM_001098802.3, NM_001330693.3, NM_001330694.2 and 4 more transcripts); short protein forms G164V.
Identifiers: ClinVar variation 1501861 (VCV001501861.8), dbSNP rs200752089, ClinGen allele CA5094927.